The following is an entry in ClinVar:

ClinVar aggregate classification (germline): Uncertain significance. Review status: criteria provided, multiple submitters, no conflicts (2 of 4 stars). 2 submissions from 2 submitters: Uncertain significance (2). Last evaluated 2024-07-09.

Conditions:
Inborn genetic diseases. Identifiers: MedGen C0950123, MeSH D030342.

Allele frequency attached by ClinVar (database versions not stated): ExAC 0.00001; gnomAD 0.00001; gnomAD exomes 0.00001; TOPMed 0.00002.
gnomAD v4.1: 12 of 1,613,880 alleles (0.00074%); highest among the groups gnomAD compares: Admixed American, 0.0067%; no homozygotes.

Submissions (2):

Ambry Genetics
Classification: Uncertain significance for Inborn genetic diseases. Last evaluated: 2024-07-09. Review status: criteria provided, single submitter. Criteria: Ambry Variant Classification Scheme 2023. Collection method: clinical testing. Allele origin: germline.

Labcorp Genetics (formerly Invitae), Labcorp
Classification: Uncertain significance. Last evaluated: 2022-05-29. Review status: criteria provided, single submitter. Criteria: Invitae Variant Classification Sherloc (09022015). Collection method: clinical testing. Allele origin: germline.
Comment: This sequence change replaces glycine, which is neutral and non-polar, with serine, which is neutral and polar, at codon 957 of the USH2A protein (p.Gly957Ser). This variant is present in population databases (rs764136752, gnomAD 0.002%). This variant has not been reported in the literature in individuals affected with USH2A-related conditions. Algorithms developed to predict the effect of missense changes on protein structure and function (SIFT, PolyPhen-2, Align-GVGD) all suggest that this variant is likely to be disruptive. Algorithms developed to predict the effect of sequence changes on RNA splicing suggest that this variant may create or strengthen a splice site. In summary, the available evidence is currently insufficient to determine the role of this variant in disease. Therefore, it has been classified as a Variant of Uncertain Significance.

NM_206933.4(USH2A):c.2869G>A (p.Gly957Ser)

Genes: USH2A (usherin; minus strand), USH2A-AS1 (USH2A antisense RNA 1; plus strand). Cytogenetic location: 1q41.
Variant type: single nucleotide variant.
Coding change: c.2869G>A on transcript NM_206933.4 (MANE Select); coding-DNA position 2869, G replaced by A.
Protein change: p.Gly957Ser; replaces glycine 957 with serine.
Molecular consequence: missense variant.
Genome position (GRCh38, 1-based): chr1:216,232,077, C>T on the plus strand (G>A on the coding strand, the complement: USH2A is on the minus strand). VCF-style: chr1-216232077-C-T. GRCh37 (hg19) VCF-style: chr1-216405419-C-T.
Other names: c.2869G>A, p.Gly957Ser (NM_007123.6); c.2869G>A (NM_206933.2); short protein forms G957S.
Identifiers: ClinVar variation 1981603 (VCV001981603.2), dbSNP rs764136752, ClinGen allele CA1396136.